The following is an entry in ClinVar:

ClinVar aggregate classification (germline): Uncertain significance. Review status: criteria provided, multiple submitters, no conflicts (2 of 4 stars). 4 submissions from 4 submitters: Uncertain significance (4). Last evaluated 2025-06-11.

Conditions:
Von Hippel-Lindau syndrome (VHLS). Also called: Von Hippel-Lindau; VHL syndrome; von Hippel–Lindau syndrome. Identifiers: Orphanet 892, MedGen C0019562, MONDO:0008667, OMIM 193300. Disease mechanism: loss of function.
Chuvash polycythemia. Also called: POLYCYTHEMIA, VHL-DEPENDENT. Identifiers: Orphanet 238557, MedGen C1837915, MONDO:0009892, OMIM 263400.
Hereditary cancer-predisposing syndrome. Also called: Neoplastic Syndromes, Hereditary; Hereditary neoplastic syndrome; Tumor predisposition; Hereditary Cancer Syndrome. Identifiers: Orphanet 140162, MedGen C0027672, MeSH D009386, MONDO:0015356.

gnomAD v4.1: 3 of 1,540,418 alleles (0.00019%); highest among the groups gnomAD compares: Non-Finnish European, 0.00026%; no homozygotes.

Submissions (4):

Color Diagnostics, LLC DBA Color Health
Classification: Uncertain significance for Von Hippel-Lindau syndrome. Last evaluated: 2025-06-11. Review status: criteria provided, single submitter. Criteria: ACMG Guidelines, 2015. Collection method: clinical testing. Allele origin: germline.
Comment: This missense variant replaces glycine with alanine at codon 30 of the VHL protein. Computational prediction suggests that this variant may not impact protein structure and function. To our knowledge, functional studies have not been reported for this variant. This variant has not been reported in individuals affected with VHL-related disorders in the literature. This variant has not been identified in the general population by the Genome Aggregation Database (gnomAD). The available evidence is insufficient to determine the role of this variant in disease conclusively. Therefore, this variant is classified as a Variant of Uncertain Significance.

Ambry Genetics
Classification: Uncertain significance for Hereditary cancer-predisposing syndrome. Last evaluated: 2025-06-03. Review status: criteria provided, single submitter. Criteria: Ambry Variant Classification Scheme 2023. Collection method: clinical testing. Allele origin: germline.
Comment: The p.G30A variant (also known as c.89G>C), located in coding exon 1 of the VHL gene, results from a G to C substitution at nucleotide position 89. The glycine at codon 30 is replaced by alanine, an amino acid with similar properties. This amino acid position is poorly conserved in available vertebrate species. In addition, this alteration is predicted to be tolerated by in silico analysis. Based on the available evidence, the clinical significance of this variant remains unclear.

All of Us Research Program, National Institutes of Health
Classification: Uncertain significance for Von Hippel-Lindau syndrome. Last evaluated: 2023-10-06. Review status: criteria provided, single submitter. Criteria: ACMG Guidelines, 2015. Collection method: clinical testing. Allele origin: germline. Inheritance: Autosomal dominant inheritance. Observed: 3 variant alleles, 3 heterozygotes.
Comment: This missense variant replaces glycine with alanine at codon 30 of the VHL protein. Computational prediction suggests that this variant may not impact protein structure and function (internally defined REVEL score threshold <= 0.5, PMID: 27666373). To our knowledge, functional studies have not been reported for this variant. This variant has not been reported in individuals affected with VHL-related disorders in the literature. This variant has not been identified in the general population by the Genome Aggregation Database (gnomAD). The available evidence is insufficient to determine the role of this variant in disease conclusively. Therefore, this variant is classified as a Variant of Uncertain Significance.

This study involves interpretation of variants in research participants for the purpose of population health screening. Participant phenotype was not available at the time of variant classification. Additional details can be found in publication PMID: 35346344, PMCID: PMC8962531

Labcorp Genetics (formerly Invitae), Labcorp
Classification: Uncertain significance for Von Hippel-Lindau syndrome; Chuvash polycythemia. Last evaluated: 2023-09-26. Review status: criteria provided, single submitter. Criteria: Invitae Variant Classification Sherloc (09022015). Collection method: clinical testing. Allele origin: germline.
Comment: In summary, the available evidence is currently insufficient to determine the role of this variant in disease. Therefore, it has been classified as a Variant of Uncertain Significance. This sequence change replaces glycine, which is neutral and non-polar, with alanine, which is neutral and non-polar, at codon 30 of the VHL protein (p.Gly30Ala). This variant is not present in population databases (gnomAD no frequency). This variant has not been reported in the literature in individuals affected with VHL-related conditions. ClinVar contains an entry for this variant (Variation ID: 664143). Advanced modeling of protein sequence and biophysical properties (such as structural, functional, and spatial information, amino acid conservation, physicochemical variation, residue mobility, and thermodynamic stability) performed at Invitae indicates that this missense variant is not expected to disrupt VHL protein function.

NM_000551.4(VHL):c.89G>C (p.Gly30Ala)

Gene: VHL (von Hippel-Lindau tumor suppressor; plus strand). Cytogenetic location: 3p25.3.
Variant type: single nucleotide variant.
Coding change: c.89G>C on transcript NM_000551.4 (MANE Select); coding-DNA position 89, G replaced by C.
Protein change: p.Gly30Ala; replaces glycine 30 with alanine.
Molecular consequence: missense variant.
Genome position (GRCh38, 1-based): chr3:10,141,936, G>C. VCF-style: chr3-10141936-G-C. GRCh37 (hg19) VCF-style: chr3-10183620-G-C.
Other names: c.89G>C, p.Gly30Ala (NM_001354723.2, NM_198156.3); short protein forms G30A.
Identifiers: ClinVar variation 664143 (VCV000664143.14), dbSNP rs1064793290, ClinGen allele CA351747570.